The following is an entry in ClinVar:

NM_015158.5(KANK1):c.3745A>T (p.Met1249Leu)

Gene: KANK1 (KN motif and ankyrin repeat domains 1; plus strand). Cytogenetic location: 9p24.3.
Variant type: single nucleotide variant.
Coding change: c.3745A>T on transcript NM_015158.5 (MANE Select); coding-DNA position 3745, A replaced by T.
Protein change: p.Met1249Leu; replaces methionine 1249 with leucine.
Molecular consequence: missense variant. On other transcripts: non-coding transcript variant (1).
Genome position (GRCh38, 1-based): chr9:742,253, A>T. VCF-style: chr9-742253-A-T. GRCh37 (hg19) VCF-style: chr9-742253-A-T.
Other names: c.3745A>T, p.Met1249Leu (NM_001256876.3, NM_001256877.3, NM_001354334.2 and 1 more transcripts); c.3505A>T, p.Met1169Leu (NM_001354331.2); c.3691A>T, p.Met1231Leu (NM_001354332.2); c.3271A>T, p.Met1091Leu (NM_001354333.2, NM_001354335.2, NM_001354337.2 and 2 more transcripts); c.2977A>T, p.Met993Leu (NM_001354336.2, NM_001438411.1); c.3217A>T, p.Met1073Leu (NM_001354338.2, NM_001354340.2, NM_001354344.2); c.3031A>T, p.Met1011Leu (NM_001354339.2, NM_001354342.2, NM_001354343.2); short protein forms M1011L, M1073L, M1091L, M1169L, M1249L, M1231L, M993L.
Identifiers: ClinVar variation 4761546 (VCV004761546.1).
Genomic context (GRCh38, chr9:742,253, plus strand): 5'-CTCTTCCCATAGGCGGGACAGACGGCCCTCATGCTGGCGGTCAGTCACGGACGGATAGAC[A>T]TGGTGAAGGGCCTTCTGGCCTGTGGGGCTGATGTCAACATCCAGGATGACGAGGGCTCCA-3'
Protein context (NP_055973.2, residues 1239-1259): MLAVSHGRID[Met1249Leu]VKGLLACGAD

ClinVar aggregate classification (germline): Uncertain significance (1 of 4 stars; one submission).

Submission:

Labcorp Genetics (formerly Invitae), Labcorp
Classification: Uncertain significance. Last evaluated: 2025-10-18. Review status: criteria provided, single submitter. Criteria: Invitae Variant Classification Sherloc (09022015). Collection method: clinical testing. Allele origin: germline.
Comment: This sequence change replaces methionine, which is neutral and non-polar, with leucine, which is neutral and non-polar, at codon 1249 of the KANK1 protein (p.Met1249Leu). This variant is not present in population databases (gnomAD no frequency). This variant has not been reported in the literature in individuals affected with KANK1-related conditions. An algorithm developed to predict the effect of missense changes on protein structure and function (PolyPhen-2) suggests that this variant is likely to be disruptive. In summary, the available evidence is currently insufficient to determine the role of this variant in disease. Therefore, it has been classified as a Variant of Uncertain Significance.